The following is an entry in ClinVar:

NM_004356.4(CD81):c.648+6C>T

Gene: CD81 (CD81 molecule; plus strand). Cytogenetic location: 11p15.5.
Variant type: single nucleotide variant.
Coding change: c.648+6C>T on transcript NM_004356.4 (MANE Select); 6 bases into the intron after coding-DNA position 648, C replaced by T.
Molecular consequence: intron variant.
Genome position (GRCh38, 1-based): chr11:2,396,720, C>T. VCF-style: chr11-2396720-C-T. GRCh37 (hg19) VCF-style: chr11-2417950-C-T.
Other names: c.435+6C>T (NM_001297649.2).
Identifiers: ClinVar variation 1425558 (VCV001425558.6), dbSNP rs559148512, ClinGen allele CA5820131.
Genomic context (GRCh38, chr11:2,396,720, plus strand): 5'-CTCCGGGAAGCTGTACCTCATCGGCATTGCTGCCATCGTGGTCGCTGTGATCATGGTGAG[C>T]GGGCGGGGGCGGAGGGCCTGCTCTCTGGGCTGCCCCTTCCGCGGGGCCTTGTGCTGACTG-3'

ClinVar aggregate classification (germline): Uncertain significance (1 of 4 stars; one submission).

Allele frequency attached by ClinVar (database versions not stated): ExAC 0.00001; TOPMed 0.00005; gnomAD 0.00011; 1000 Genomes Project 30x 0.00016; 1000 Genomes Project 0.00020.
gnomAD v4.1: 31 of 1,611,272 alleles (0.0019%); highest among the groups gnomAD compares: African/African-American, 0.028%; 2 homozygotes.

Submission:

Labcorp Genetics (formerly Invitae), Labcorp
Classification: Uncertain significance. Last evaluated: 2024-06-24. Review status: criteria provided, single submitter. Criteria: Invitae Variant Classification Sherloc (09022015). Collection method: clinical testing. Allele origin: germline.
Comment: This sequence change falls in intron 7 of the CD81 gene. It does not directly change the encoded amino acid sequence of the CD81 protein. It affects a nucleotide within the consensus splice site. This variant is present in population databases (rs559148512, gnomAD 0.04%). This variant has not been reported in the literature in individuals affected with CD81-related conditions. ClinVar contains an entry for this variant (Variation ID: 1425558). Variants that disrupt the consensus splice site are a relatively common cause of aberrant splicing (PMID: 17576681, 9536098). Algorithms developed to predict the effect of sequence changes on RNA splicing suggest that this variant is not likely to affect RNA splicing. In summary, the available evidence is currently insufficient to determine the role of this variant in disease. Therefore, it has been classified as a Variant of Uncertain Significance.

Literature cited by the submitters: PubMed 17576681; PubMed 9536098.